The following is an entry in ClinVar:

NM_000218.3(KCNQ1):c.1902C>T (p.Gly634=)

Genes: KCNQ1 (potassium voltage-gated channel subfamily Q member 1; plus strand), KCNQ1-AS1 (KCNQ1 antisense RNA 1; minus strand). Cytogenetic location: 11p15.4.
Variant type: single nucleotide variant.
Coding change: c.1902C>T on transcript NM_000218.3 (MANE Select); coding-DNA position 1902, C replaced by T.
Protein change: p.Gly634=; no amino-acid change (glycine 634 retained).
Molecular consequence: synonymous variant.
Genome position (GRCh38, 1-based): chr11:2,847,874, C>T. VCF-style: chr11-2847874-C-T. GRCh37 (hg19) VCF-style: chr11-2869104-C-T.
Other names: c.1806C>T, p.Gly602= (NM_001406836.1); c.1632C>T, p.Gly544= (NM_001406837.1); c.1362C>T, p.Gly454= (NM_001406838.1); c.414C>T, p.Gly138= (NM_001406839.1); c.1521C>T, p.Gly507= (NM_181798.2).
Identifiers: ClinVar variation 456864 (VCV000456864.19), dbSNP rs774046442, ClinGen allele CA033650.
Genomic context (GRCh38, chr11:2,847,874, plus strand): 5'-CCAGCTGCTCTCCTTGCACGGTGGCAGCACCCCCGGCAGCGGCGGCCCCCCCAGAGAGGG[C>T]GGGGCCCACATCACCCAGCCCTGCGGCAGTGGCGGCTCCGTCGACCCTGAGCTCTTCCTG-3'
Protein context (NP_000209.2, residues 624-644): TPGSGGPPRE[Gly634=]GAHITQPCGS

ClinVar aggregate classification (germline): Likely benign. Review status: criteria provided, multiple submitters, no conflicts (2 of 4 stars). 5 submissions from 5 submitters: Likely benign (5). Last evaluated 2025-12-21.

Conditions:
Cardiac arrhythmia. Also called: Cardiac rhythm disease; Arrhythmia. Identifiers: MedGen C0003811, MONDO:0007263, HP:0011675.
Cardiovascular phenotype. Identifiers: MedGen CN230736.
Long QT syndrome (LQTS). Identifiers: MedGen C0023976, MeSH D008133, MONDO:0002442. Disease mechanism: loss of function. Inheritance: Various modes of inheritance.

Allele frequency attached by ClinVar (database versions not stated): gnomAD exomes 0.00001 and 0.00002; TOPMed 0.00004; gnomAD 0.00005; ExAC 0.00007.
gnomAD v4.1: 27 of 1,578,828 alleles (0.0017%); highest among the groups gnomAD compares: East Asian, 0.007%; no homozygotes.

Submissions (5):

Labcorp Genetics (formerly Invitae), Labcorp
Classification: Likely benign for Long QT syndrome. Last evaluated: 2025-12-21. Review status: criteria provided, single submitter. Criteria: Invitae Variant Classification Sherloc (09022015). Collection method: clinical testing. Allele origin: germline.

Blueprint Genetics
Classification: Likely benign. Last evaluated: 2024-11-13. Review status: criteria provided, single submitter. Criteria: ACMG Guidelines, 2015. Collection method: clinical testing. Allele origin: germline.

All of Us Research Program, National Institutes of Health
Classification: Likely benign for Long QT syndrome. Last evaluated: 2023-12-13. Review status: criteria provided, single submitter. Criteria: ACMG Guidelines, 2015. Collection method: clinical testing. Allele origin: germline. Inheritance: Autosomal dominant inheritance. Observed: 1 variant allele, 1 heterozygote.
Comment: This study involves interpretation of variants in research participants for the purpose of population health screening. Participant phenotype was not available at the time of variant classification. Additional details can be found in publication PMID: 35346344, PMCID: PMC8962531

Color Diagnostics, LLC DBA Color Health
Classification: Likely benign for Arrhythmia. Last evaluated: 2018-12-03. Review status: criteria provided, single submitter. Criteria: ACMG Guidelines, 2015. Collection method: clinical testing. Allele origin: germline.

Ambry Genetics
Classification: Likely benign for Cardiovascular phenotype. Last evaluated: 2016-03-09. Review status: criteria provided, single submitter. Criteria: Ambry Variant Classification Scheme 2023. Collection method: clinical testing. Allele origin: germline.